The following is an entry in ClinVar:

NM_001320752.2(STS):c.97G>A (p.Gly33Ser)

Gene: STS (steroid sulfatase; plus strand). Cytogenetic location: Xp22.31.
Variant type: single nucleotide variant.
Coding change: c.97G>A on transcript NM_001320752.2 (MANE Select); coding-DNA position 97, G replaced by A.
Protein change: p.Gly33Ser; replaces glycine 33 with serine.
Molecular consequence: missense variant.
Genome position (GRCh38, 1-based): chrX:7,253,296, G>A. VCF-style: chrX-7253296-G-A. GRCh37 (hg19) VCF-style: chrX-7171337-G-A.
Other names: c.97G>A, p.Gly33Ser (NM_000351.7, NM_001320753.2, NM_001320754.2); c.133G>A, p.Gly45Ser (NM_001320750.3, NM_001320751.2); short protein forms G33S, G45S.
Identifiers: ClinVar variation 1211715 (VCV001211715.9), dbSNP rs2147081459, ClinGen allele CA412019046.

ClinVar aggregate classification (germline): Conflicting classifications of pathogenicity. Review status: criteria provided, conflicting classifications (1 of 4 stars). 3 submissions from 3 submitters: Likely pathogenic (1); Uncertain significance (2). Last evaluated 2022-12-18.

Conditions:
Inborn genetic diseases. Identifiers: MedGen C0950123, MeSH D030342.

Submissions (3):

Labcorp Genetics (formerly Invitae), Labcorp
Classification: Uncertain significance. Last evaluated: 2022-12-18. Review status: criteria provided, single submitter. Criteria: Invitae Variant Classification Sherloc (09022015). Collection method: clinical testing. Allele origin: germline.
Comment: In summary, the available evidence is currently insufficient to determine the role of this variant in disease. Therefore, it has been classified as a Variant of Uncertain Significance. Advanced modeling of protein sequence and biophysical properties (such as structural, functional, and spatial information, amino acid conservation, physicochemical variation, residue mobility, and thermodynamic stability) performed at Invitae indicates that this missense variant is expected to disrupt STS protein function. ClinVar contains an entry for this variant (Variation ID: 1211715). This variant has not been reported in the literature in individuals affected with STS-related conditions. This variant is not present in population databases (gnomAD no frequency). This sequence change replaces glycine, which is neutral and non-polar, with serine, which is neutral and polar, at codon 38 of the STS protein (p.Gly38Ser).

Ambry Genetics
Classification: Uncertain significance for Inborn genetic diseases. Last evaluated: 2021-08-10. Review status: criteria provided, single submitter. Criteria: Ambry Variant Classification Scheme 2023. Collection method: clinical testing. Allele origin: germline.
Comment: The c.112G>A (p.G38S) alteration is located in exon 2 (coding exon 2) of the STS gene. This alteration results from a G to A substitution at nucleotide position 112, causing the glycine (G) at amino acid position 38 to be replaced by a serine (S). This variant was not reported in population-based cohorts in the Genome Aggregation Database (gnomAD). This amino acid position is highly conserved in available vertebrate species. This alteration is predicted to be deleterious by in silico analysis. Based on insufficient or conflicting evidence, the clinical significance of this alteration remains unclear.

GeneDx
Classification: Likely pathogenic. Last evaluated: 2021-02-03. Review status: criteria provided, single submitter. Criteria: GeneDx Variant Classification Process June 2021. Collection method: clinical testing. Allele origin: germline. Affected: yes.
Comment: Not observed in large population cohorts (Lek et al., 2016); In silico analysis, which includes protein predictors and evolutionary conservation, supports a deleterious effect; Has not been previously published as pathogenic or benign to our knowledge